The following is an entry in ClinVar:

ClinVar aggregate classification (germline): Uncertain significance (1 of 4 stars; one submission).

Conditions:
EP300-related disorder. Also called: EP300-related condition; EP300-related disorders.

gnomAD v4.1: 16 of 1,612,674 alleles (0.00099%); highest among the groups gnomAD compares: Non-Finnish European, 0.0014%; no homozygotes.

Submission:

PreventionGenetics, part of Exact Sciences
Classification: Uncertain significance for EP300-related condition. Last evaluated: 2025-09-30. Review status: criteria provided, single submitter. Criteria: ACMG Guidelines, 2015. Collection method: clinical testing. Allele origin: germline.
Comment: The EP300 c.4423G>A variant is predicted to result in the amino acid substitution p.Val1475Ile. To our knowledge, this variant has not been reported in the literature or in a large population database (gnomAD), indicating this variant is rare. At this time, the clinical significance of this variant is uncertain due to the absence of conclusive functional and genetic evidence.

NM_001429.4(EP300):c.4423G>A (p.Val1475Ile)

Gene: EP300 (EP300 lysine acetyltransferase; plus strand). Cytogenetic location: 22q13.2.
Variant type: single nucleotide variant.
Coding change: c.4423G>A on transcript NM_001429.4 (MANE Select); coding-DNA position 4423, G replaced by A.
Protein change: p.Val1475Ile; replaces valine 1475 with isoleucine.
Molecular consequence: missense variant.
Genome position (GRCh38, 1-based): chr22:41,170,542, G>A. VCF-style: chr22-41170542-G-A. GRCh37 (hg19) VCF-style: chr22-41566546-G-A.
Other names: c.4345G>A, p.Val1449Ile (NM_001362843.2); short protein forms V1449I, V1475I.
Identifiers: ClinVar variation 3356973 (VCV003356973.2).
Genomic context (GRCh38, chr22:41,170,542, plus strand): 5'-CAGAAGATACCCAAGCCCAAGCGACTGCAGGAATGGTACAAAAAAATGCTTGACAAGGCT[G>A]TATCAGAGCGTATTGTCCATGACTACAAGGTCAGTTGGGACATAGGGGCCAGGTGCTGAC-3'
Protein context (NP_001420.2, residues 1465-1485): EWYKKMLDKA[Val1475Ile]SERIVHDYKD